The following is an entry in ClinVar:

ClinVar aggregate classification (germline): Uncertain significance (1 of 4 stars; one submission).

Conditions:
Hereditary cancer-predisposing syndrome. Also called: Neoplastic Syndromes, Hereditary; Tumor predisposition; Hereditary Cancer Syndrome; Hereditary neoplastic syndrome. Identifiers: Orphanet 140162, MedGen C0027672, MeSH D009386, MONDO:0015356.

Submission:

Ambry Genetics
Classification: Uncertain significance for Hereditary cancer-predisposing syndrome. Last evaluated: 2025-12-27. Review status: criteria provided, single submitter. Criteria: Ambry Variant Classification Scheme 2023. Collection method: clinical testing. Allele origin: germline.
Comment: The p.I1277M variant (also known as c.3831C>G), located in coding exon 25 of the ALK gene, results from a C to G substitution at nucleotide position 3831. The isoleucine at codon 1277 is replaced by methionine, an amino acid with highly similar properties. This amino acid position is conserved. In addition, the in silico prediction for this alteration is inconclusive. Based on the available evidence, the clinical significance of this variant remains unclear.

NM_004304.5(ALK):c.3831C>G (p.Ile1277Met)

Gene: ALK (ALK receptor tyrosine kinase; minus strand). Cytogenetic location: 2p23.2.
Variant type: single nucleotide variant.
Coding change: c.3831C>G on transcript NM_004304.5 (MANE Select); coding-DNA position 3831, C replaced by G.
Protein change: p.Ile1277Met; replaces isoleucine 1277 with methionine.
Molecular consequence: missense variant.
Genome position (GRCh38, 1-based): chr2:29,209,791, G>C on the plus strand (C>G on the coding strand, the complement: ALK is on the minus strand). VCF-style: chr2-29209791-G-C. GRCh37 (hg19) VCF-style: chr2-29432657-G-C.
Other names: c.627C>G, p.Ile209Met (NM_001353765.2); short protein forms I1277M, I209M.
Identifiers: ClinVar variation 4843251 (VCV004843251.1).